The following is an entry in ClinVar:

NM_001127644.2(GABRA1):c.-16+8C>A

Gene: GABRA1 (gamma-aminobutyric acid type A receptor subunit alpha1; plus strand). Cytogenetic location: 5q34.
Variant type: single nucleotide variant.
Coding change: c.-16+8C>A on transcript NM_001127644.2 (MANE Select); 8 bases into the intron after 16 bases upstream of the start codon, C replaced by A.
Molecular consequence: intron variant.
Genome position (GRCh38, 1-based): chr5:161,848,430, C>A. VCF-style: chr5-161848430-C-A. GRCh37 (hg19) VCF-style: chr5-161275436-C-A.
Other names: c.-16+8C>A (NM_000806.5, NM_001127643.2).
Identifiers: ClinVar variation 137407 (VCV000137407.5), dbSNP rs138671319, ClinGen allele CA290970.

ClinVar aggregate classification (germline): Conflicting classifications of pathogenicity. Review status: criteria provided, conflicting classifications (1 of 4 stars). 2 submissions from 2 submitters: Uncertain significance (1); Benign (1). Last evaluated 2018-01-12.

Conditions:
Epilepsy, idiopathic generalized, susceptibility to, 13. Also called: EPILEPSY, JUVENILE MYOCLONIC, SUSCEPTIBILITY TO, 5. Identifiers: Orphanet 307, Orphanet 64280, MedGen C4013473, MONDO:0012627, OMIM 611136.

Allele frequency attached by ClinVar (database versions not stated): gnomAD 0.00544 and 0.00502; TOPMed 0.00567; 1000 Genomes Project 0.00559; 1000 Genomes Project 30x 0.00500.

Submissions (2):

Illumina Laboratory Services, Illumina
Classification: Uncertain significance for Epilepsy, idiopathic generalized, susceptibility to, 13. Last evaluated: 2018-01-12. Review status: criteria provided, single submitter. Criteria: ICSL Variant Classification Criteria 13 December 2019. Collection method: clinical testing. Allele origin: germline.

GeneDx
Classification: Benign. Last evaluated: 2013-10-02. Review status: criteria provided, single submitter. Criteria: GeneDx Variant Classification (06012015). Collection method: clinical testing. Allele origin: germline. Affected: yes.
Comment: This variant is considered likely benign or benign based on one or more of the following criteria: it is a conservative change, it occurs at a poorly conserved position in the protein, it is predicted to be benign by multiple in silico algorithms, and/or has population frequency not consistent with disease.